The following is an entry in ClinVar:

NM_203447.4(DOCK8):c.3023G>A (p.Arg1008Gln)

Gene: DOCK8 (dedicator of cytokinesis 8; plus strand). Cytogenetic location: 9p24.3.
Variant type: single nucleotide variant.
Coding change: c.3023G>A on transcript NM_203447.4 (MANE Select); coding-DNA position 3023, G replaced by A.
Protein change: p.Arg1008Gln; replaces arginine 1008 with glutamine.
Molecular consequence: missense variant.
Genome position (GRCh38, 1-based): chr9:396,837, G>A. VCF-style: chr9-396837-G-A. GRCh37 (hg19) VCF-style: chr9-396837-G-A.
Other names: c.2723G>A, p.Arg908Gln (NM_001190458.2); c.2819G>A, p.Arg940Gln (NM_001193536.2); short protein forms R1008Q, R940Q, R908Q.
Identifiers: ClinVar variation 449248 (VCV000449248.28), dbSNP rs145844320, ClinGen allele CA4958471.
Genomic context (GRCh38, chr9:396,837, plus strand): 5'-CTCCGCAGGTGAAAAGCATGGCCCAGCACGTACATAACATGGACAAACGGGACAGTTTTC[G>A]GAGGACTCGTTTTTCTGACCGTTTCATGGATGACATAACTACTATTGTTAATGTGGTCAC-3'
Protein context (NP_982272.2, residues 998-1018): VHNMDKRDSF[Arg1008Gln]RTRFSDRFMD

ClinVar aggregate classification (germline): Conflicting classifications of pathogenicity. Review status: criteria provided, conflicting classifications (1 of 4 stars). 9 submissions from 9 submitters: Uncertain significance (5); Likely benign (2). 2 of the submissions do not count toward it. Last evaluated 2025-10-17.

Conditions:
Combined immunodeficiency due to DOCK8 deficiency (HIES2). Also called: HYPER-IgE SYNDROME 2, AUTOSOMAL RECESSIVE, WITH RECURRENT INFECTIONS; DOCK8 Deficiency; HIES autosomal recessive; Hyper-IgE recurrent infection syndrome, autosomal recessive; HYPER-IgE RECURRENT INFECTION SYNDROME 2, AUTOSOMAL RECESSIVE. Identifiers: Orphanet 217390, MedGen C4722305, MONDO:0009478, OMIM 243700.
Hyper-IgE recurrent infection syndrome 3, autosomal recessive. Also called: HYPER-IgE SYNDROME 3, AUTOSOMAL RECESSIVE, WITH RECURRENT INFECTIONS; Autosomal recessive hyper-IgE syndrome due to ZNF341 deficiency. Identifiers: Orphanet 641368, MedGen C4748969, MONDO:0032654, OMIM 618282.

Allele frequency attached by ClinVar (database versions not stated): ESP Exome Variant Server 0.00038; gnomAD 0.00060 and 0.00064; TOPMed 0.00063; gnomAD exomes 0.00073 and 0.00097; ExAC 0.00081; 1000 Genomes Project 30x 0.00094; 1000 Genomes Project 0.00100.
gnomAD v4.1: 1,504 of 1,614,076 alleles (0.093%); highest among the groups gnomAD compares: Non-Finnish European, 0.11%; 3 homozygotes.

Submissions (9):

GeneDx
Classification: Uncertain significance. Last evaluated: 2025-10-17. Review status: criteria provided, single submitter. Criteria: GeneDx Variant Classification Process June 2021. Collection method: clinical testing. Allele origin: germline. Affected: yes.
Comment: Identified in cis with the p.E1104D variant in one patient from a cohort with common variable immunodeficiency and in one patient from a cohort with intellectual disability; a variant was not identified on the opposite allele (in trans) in either case (PMID: 27379089, 25167861); Identified in an individual from a large cohort study of individuals with autism spectrum disorders; additional variants were identified, and detailed clinical information was not included (PMID: 30564305); In silico analysis supports that this missense variant has a deleterious effect on protein structure/function; This variant is associated with the following publications: (PMID: 27379089, 25167861, 30564305)

CeGaT Center for Human Genetics Tuebingen
Classification: Likely benign. Last evaluated: 2025-08-01. Review status: criteria provided, single submitter. Criteria: CeGaT Center For Human Genetics Tuebingen Variant Classification Criteria Version 2. Collection method: clinical testing. Allele origin: germline. Affected: yes. Observed: 1 variant allele.
Comment: DOCK8: BP4

Blueprint Genetics
Classification: Uncertain significance. Last evaluated: 2024-11-01. Review status: criteria provided, single submitter. Criteria: ACMG Guidelines, 2015. Collection method: clinical testing. Allele origin: germline.

Labcorp Genetics (formerly Invitae), Labcorp
Classification: Uncertain significance for Combined immunodeficiency due to DOCK8 deficiency. Last evaluated: 2024-01-29. Review status: criteria provided, single submitter. Criteria: Invitae Variant Classification Sherloc (09022015). Collection method: clinical testing. Allele origin: germline.
Comment: This sequence change replaces arginine, which is basic and polar, with glutamine, which is neutral and polar, at codon 1008 of the DOCK8 protein (p.Arg1008Gln). This variant is present in population databases (rs145844320, gnomAD 0.1%), and has an allele count higher than expected for a pathogenic variant. This missense change has been observed in individual(s) with common variable immunodeficiency (PMID: 27379089). ClinVar contains an entry for this variant (Variation ID: 449248). Advanced modeling of protein sequence and biophysical properties (such as structural, functional, and spatial information, amino acid conservation, physicochemical variation, residue mobility, and thermodynamic stability) performed at Invitae indicates that this missense variant is expected to disrupt DOCK8 protein function with a positive predictive value of 80%. In summary, the available evidence is currently insufficient to determine the role of this variant in disease. Therefore, it has been classified as a Variant of Uncertain Significance.

Women's Health and Genetics/Laboratory Corporation of America, LabCorp
Classification: Likely benign. Last evaluated: 2023-02-17. Review status: criteria provided, single submitter. Criteria: LabCorp Variant Classification Summary - May 2015. Collection method: clinical testing. Allele origin: germline.
Comment: Variant summary: DOCK8 c.3023G>A (p.Arg1008Gln) results in a conservative amino acid change in the encoded protein sequence. Three of five in-silico tools predict a damaging effect of the variant on protein function. The variant allele was found at a frequency of 0.00073 in 251428 control chromosomes. The observed variant frequency is approximately 2 fold of the estimated maximal expected allele frequency for a pathogenic variant in DOCK8 causing Severe Combined Immunodeficiency phenotype (0.00035), strongly suggesting that the variant is benign. c.3023G>A has been reported in the literature in individuals affected with Immunodeficiency. These reports do not provide unequivocal conclusions about association of the variant with Severe Combined Immunodeficiency. To our knowledge, no experimental evidence demonstrating an impact on protein function has been reported. Four clinical diagnostic laboratories have submitted clinical-significance assessments for this variant to ClinVar after 2014 without evidence for independent evaluation. All laboratories classified the variant as uncertain significance. Based on the evidence outlined above, the variant was classified as likely benign.

New York Genome Center
Classification: Uncertain significance for Combined immunodeficiency due to DOCK8 deficiency. Last evaluated: 2021-06-03. Review status: criteria provided, single submitter. Criteria: NYGC Assertion Criteria 2020. Collection method: clinical testing. Allele origin: inherited. Observed: 1 heterozygote. Study: CSER-NYCKidSeq.

Illumina Laboratory Services, Illumina
Classification: Uncertain significance for Combined immunodeficiency due to DOCK8 deficiency. Last evaluated: 2017-07-17. Review status: criteria provided, single submitter. Criteria: ICSL Variant Classification Criteria 13 December 2019. Collection method: clinical testing. Allele origin: germline.
Comment: This variant was observed as part of a predisposition screen in an ostensibly healthy population. A literature search was performed for the gene, cDNA change, and amino acid change (where applicable). Publications were found based on this search. However, the evidence from the literature, in combination with allele frequency data from public databases where available, was not sufficient to rule this variant in or out of causing disease. Therefore, this variant is classified as a variant of unknown significance.

Clinical Genetics DNA and cytogenetics Diagnostics Lab, Erasmus MC, Erasmus Medical Center
Classification: Uncertain significance. Review status: no assertion criteria provided. Collection method: clinical testing. Allele origin: germline. Affected: yes. Study: VKGL Data-share Consensus. Not counted in ClinVar's aggregate classification.

Joint Genome Diagnostic Labs from Nijmegen and Maastricht, Radboudumc and MUMC+
Classification: Uncertain significance. Review status: no assertion criteria provided. Collection method: clinical testing. Allele origin: germline. Affected: yes. Study: VKGL Data-share Consensus. Not counted in ClinVar's aggregate classification.

Literature cited by the submitters: PubMed 27379089 (cited by 3 submitters); PubMed 25167861 (cited by Women's Health and Genetics/Laboratory Corporation of America, LabCorp).